The following is an entry in ClinVar:

NM_001127222.2(CACNA1A):c.2140G>C (p.Asp714His)

Gene: CACNA1A (calcium voltage-gated channel subunit alpha1 A; minus strand). Cytogenetic location: 19p13.13.
Variant type: single nucleotide variant.
Coding change: c.2140G>C on transcript NM_001127222.2 (MANE Select); coding-DNA position 2140, G replaced by C.
Protein change: p.Asp714His; replaces aspartic acid 714 with histidine.
Molecular consequence: missense variant.
Genome position (GRCh38, 1-based): chr19:13,303,578, C>G on the plus strand (G>C on the coding strand, the complement: CACNA1A is on the minus strand). VCF-style: chr19-13303578-C-G. GRCh37 (hg19) VCF-style: chr19-13414392-C-G.
Other names: c.2143G>C, p.Asp715His (NM_000068.4, NM_001127221.2, NM_001174080.2 and 1 more transcripts); short protein forms D714H, D715H.
Identifiers: ClinVar variation 2949239 (VCV002949239.3), dbSNP rs2512930046, ClinGen allele CA404344168.
Genomic context (GRCh38, chr19:13,303,578, plus strand): 5'-CAGAGAAACATTCTCCCACCGCCTCCACCTTGGTGAGCTCCTGGGCGTTGGCCAGATTGT[C>G]CACAGCGATGGCCAAGAACACATTCAGGAGGGTGTCTGCAAATGTCTGAGTCAGGAAAAG-3'
Protein context (NP_001120694.1, residues 704-724): LLNVFLAIAV[Asp714His]NLANAQELTK

ClinVar aggregate classification (germline): Likely pathogenic (1 of 4 stars; one submission).

Conditions:
Episodic ataxia type 2 (EA2). Also called: CEREBELLAR ATAXIA, PAROXYSMAL, ACETAZOLAMIDE-RESPONSIVE; CEREBELLOPATHY, HEREDITARY PAROXYSMAL; EPISODIC ATAXIA, NYSTAGMUS-ASSOCIATED; ACETAZOLAMIDE-RESPONSIVE HEREDITARY PAROXYSMAL CEREBELLAR ATAXIA; ATAXIA, EPISODIC, WITH NYSTAGMUS; ATAXIA, FAMILIAL PAROXYSMAL. Identifiers: Orphanet 97, MedGen C1720416, MONDO:0007163, OMIM 108500.
Developmental and epileptic encephalopathy, 42 (DEE42A). Also called: Epileptic encephalopathy, early infantile, 42; DEVELOPMENTAL AND EPILEPTIC ENCEPHALOPATHY 42A; EPILEPTIC ENCEPHALOPATHY, EARLY INFANTILE, 42A. Identifiers: MedGen C4310716, MONDO:0014917, OMIM 617106.

Submission:

Labcorp Genetics (formerly Invitae), Labcorp
Classification: Likely pathogenic for Developmental and epileptic encephalopathy, 42; Episodic ataxia type 2. Last evaluated: 2023-06-23. Review status: criteria provided, single submitter. Criteria: Invitae Variant Classification Sherloc (09022015). Collection method: clinical testing. Allele origin: germline.
Comment: This sequence change replaces aspartic acid, which is acidic and polar, with histidine, which is basic and polar, at codon 715 of the CACNA1A protein (p.Asp715His). This variant is not present in population databases (gnomAD no frequency). This variant has not been reported in the literature in individuals affected with CACNA1A-related conditions. Advanced modeling of protein sequence and biophysical properties (such as structural, functional, and spatial information, amino acid conservation, physicochemical variation, residue mobility, and thermodynamic stability) performed at Invitae indicates that this missense variant is expected to disrupt CACNA1A protein function. Algorithms developed to predict the effect of sequence changes on RNA splicing suggest that this variant may disrupt the consensus splice site. This variant disrupts the p.Asp715 amino acid residue in CACNA1A. Other variant(s) that disrupt this residue have been determined to be pathogenic (PMID: 9915947, 10734061). This suggests that this residue is clinically significant, and that variants that disrupt this residue are likely to be disease-causing. In summary, the currently available evidence indicates that the variant is pathogenic, but additional data are needed to prove that conclusively. Therefore, this variant has been classified as Likely Pathogenic.

Literature cited by the submitters: PubMed 9915947; PubMed 10734061.